The following is an entry in ClinVar:

ClinVar aggregate classification (germline): Uncertain significance. Review status: criteria provided, multiple submitters, no conflicts (2 of 4 stars). 3 submissions from 3 submitters: Uncertain significance (3). Last evaluated 2025-09-12.

Conditions:
Multiple endocrine neoplasia, type 1 (MEN1). Also called: MEN I; WERMER SYNDROME; Endocrine adenomatosis multiple; MEN 1; MEA I. Identifiers: Orphanet 652, MedGen C0025267, MeSH D018761, MONDO:0007540, OMIM 131100.
Hereditary cancer-predisposing syndrome. Also called: Hereditary neoplastic syndrome; Neoplastic Syndromes, Hereditary; Hereditary Cancer Syndrome; Tumor predisposition. Identifiers: Orphanet 140162, MedGen C0027672, MeSH D009386, MONDO:0015356.

Submissions (3):

Labcorp Genetics (formerly Invitae), Labcorp
Classification: Uncertain significance for Multiple endocrine neoplasia, type 1. Last evaluated: 2025-09-12. Review status: criteria provided, single submitter. Criteria: Invitae Variant Classification Sherloc (09022015). Collection method: clinical testing. Allele origin: germline.
Comment: This sequence change replaces proline, which is neutral and non-polar, with leucine, which is neutral and non-polar, at codon 32 of the MEN1 protein (p.Pro32Leu). This variant is not present in population databases (gnomAD no frequency). This variant has not been reported in the literature in individuals affected with MEN1-related conditions. ClinVar contains an entry for this variant (Variation ID: 1418582). Invitae Evidence Modeling of protein sequence and biophysical properties (such as structural, functional, and spatial information, amino acid conservation, physicochemical variation, residue mobility, and thermodynamic stability) indicates that this missense variant is expected to disrupt MEN1 protein function with a positive predictive value of 95%. In summary, the available evidence is currently insufficient to determine the role of this variant in disease. Therefore, it has been classified as a Variant of Uncertain Significance.

Ambry Genetics
Classification: Uncertain significance for Hereditary cancer-predisposing syndrome. Last evaluated: 2025-05-12. Review status: criteria provided, single submitter. Criteria: Ambry Variant Classification Scheme 2023. Collection method: clinical testing. Allele origin: germline.
Comment: The p.P32L variant (also known as c.95C>T), located in coding exon 1 of the MEN1 gene, results from a C to T substitution at nucleotide position 95. The proline at codon 32 is replaced by leucine, an amino acid with similar properties. Based on internal structural analysis, P32L is deleterious. The variant is moderately destabilizing to the local structure. This amino acid position is highly conserved in available vertebrate species. In addition, this alteration is predicted to be deleterious by in silico analysis. Based on the available evidence, the clinical significance of this variant remains unclear.

All of Us Research Program, National Institutes of Health
Classification: Uncertain significance for Multiple endocrine neoplasia, type 1. Last evaluated: 2023-02-24. Review status: criteria provided, single submitter. Criteria: ACMG Guidelines, 2015. Collection method: clinical testing. Allele origin: germline. Inheritance: Autosomal dominant inheritance. Observed: 1 variant allele, 1 heterozygote.
Comment: This missense variant replaces proline with leucine at codon 32 of the MEN1 protein. Computational prediction suggests that this variant may have deleterious impact on protein structure and function (internally defined REVEL score threshold >= 0.7, PMID: 27666373). To our knowledge, functional studies have not been reported for this variant. This variant has not been reported in individuals affected with MEN1-related disorders in the literature. This variant has not been identified in the general population by the Genome Aggregation Database (gnomAD). The available evidence is insufficient to determine the role of this variant in disease conclusively. Therefore, this variant is classified as a Variant of Uncertain Significance.

This study involves interpretation of variants in research participants for the purpose of population health screening. Participant phenotype was not available at the time of variant classification. Additional details can be found in publication PMID: 35346344, PMCID: PMC8962531

Literature cited by the submitters: PubMed 33471991 (cited by Ambry Genetics).

NM_001370259.2(MEN1):c.95C>T (p.Pro32Leu)

Gene: MEN1 (menin 1; minus strand). Cytogenetic location: 11q13.1.
Variant type: single nucleotide variant.
Coding change: c.95C>T on transcript NM_001370259.2 (MANE Select); coding-DNA position 95, C replaced by T.
Protein change: p.Pro32Leu; replaces proline 32 with leucine.
Molecular consequence: missense variant.
Genome position (GRCh38, 1-based): chr11:64,810,015, G>A on the plus strand (C>T on the coding strand, the complement: MEN1 is on the minus strand). VCF-style: chr11-64810015-G-A. GRCh37 (hg19) VCF-style: chr11-64577487-G-A.
Other names: c.95C>T, p.Pro32Leu (NM_000244.4, NM_001370251.2, NM_001370260.2 and 9 more transcripts); short protein forms P32L.
Identifiers: ClinVar variation 1418582 (VCV001418582.12), dbSNP rs2136194414, ClinGen allele CA381187989.